The following is an entry in ClinVar:

NM_198253.3(TERT):c.3107T>C (p.Ile1036Thr)

Gene: TERT (telomerase reverse transcriptase; minus strand). Cytogenetic location: 5p15.33.
Variant type: single nucleotide variant.
Coding change: c.3107T>C on transcript NM_198253.3 (MANE Select); coding-DNA position 3107, T replaced by C.
Protein change: p.Ile1036Thr; replaces isoleucine 1036 with threonine.
Molecular consequence: missense variant. On other transcripts: non-coding transcript variant (2).
Genome position (GRCh38, 1-based): chr5:1,255,337, A>G on the plus strand (T>C on the coding strand, the complement: TERT is on the minus strand). VCF-style: chr5-1255337-A-G. GRCh37 (hg19) VCF-style: chr5-1255452-A-G.
Other names: c.2918T>C, p.Ile973Thr (NM_001193376.3); c.3107T>C, p.Ile1036Thr (NM_003219.1); short protein forms I973T, I1036T.
Identifiers: ClinVar variation 2111294 (VCV002111294.5), dbSNP rs2478083249, ClinGen allele CA359068154.

ClinVar aggregate classification (germline): Uncertain significance. Review status: criteria provided, multiple submitters, no conflicts (2 of 4 stars). 2 submissions from 2 submitters: Uncertain significance (2). Last evaluated 2023-04-27.

Conditions:
Dyskeratosis congenita. Identifiers: Orphanet 1775, MedGen C0265965, MONDO:0015780.
Idiopathic Pulmonary Fibrosis. Also called: Idiopathic fibrosing alveolitis, chronic form; idiopathic fibrosing alveolitis. Identifiers: Orphanet 2032, MedGen C1800706, MeSH D054990, MONDO:0800504.
Dyskeratosis congenita, autosomal dominant 2. Identifiers: MedGen C3151443, MONDO:0013521, OMIM 613989.

gnomAD v4.1: 1 of 1,614,214 alleles (0.000062%); no homozygotes.

Submissions (2):

Ambry Genetics
Classification: Uncertain significance for Dyskeratosis congenita. Last evaluated: 2023-04-27. Review status: criteria provided, single submitter. Criteria: Ambry Variant Classification Scheme 2023. Collection method: clinical testing. Allele origin: germline.
Comment: The p.I1036T variant (also known as c.3107T>C), located in coding exon 14 of the TERT gene, results from a T to C substitution at nucleotide position 3107. The isoleucine at codon 1036 is replaced by threonine, an amino acid with similar properties. This amino acid position is conserved. In addition, this alteration is predicted to be deleterious by in silico analysis. Since supporting evidence is limited at this time, the clinical significance of this alteration remains unclear.

Labcorp Genetics (formerly Invitae), Labcorp
Classification: Uncertain significance for Dyskeratosis congenita, autosomal dominant 2; Idiopathic Pulmonary Fibrosis. Last evaluated: 2022-03-13. Review status: criteria provided, single submitter. Criteria: Invitae Variant Classification Sherloc (09022015). Collection method: clinical testing. Allele origin: germline.
Comment: This variant has not been reported in the literature in individuals affected with TERT-related conditions. This variant is not present in population databases (gnomAD no frequency). This sequence change replaces isoleucine, which is neutral and non-polar, with threonine, which is neutral and polar, at codon 1036 of the TERT protein (p.Ile1036Thr). Advanced modeling of protein sequence and biophysical properties (such as structural, functional, and spatial information, amino acid conservation, physicochemical variation, residue mobility, and thermodynamic stability) performed at Invitae indicates that this missense variant is expected to disrupt TERT protein function. In summary, the available evidence is currently insufficient to determine the role of this variant in disease. Therefore, it has been classified as a Variant of Uncertain Significance.